The following is an entry in ClinVar:

ClinVar aggregate classification (germline): other (0 of 4 stars; one submission).

Conditions:
Familial colorectal cancer. Identifiers: MedGen CN280943, MONDO:0023113. Disease mechanism: loss of function.

Allele frequency attached by ClinVar (database versions not stated): gnomAD 0.00001; TOPMed 0.00001.
gnomAD v4.1: 2 of 152,222 alleles (0.0013%); highest among the groups gnomAD compares: Non-Finnish European, 0.0029%; no homozygotes.

Submission:

Systems Biology Platform Zhejiang California International NanoSystems Institute
Classification: other for Familial colorectal cancer. Review status: no assertion criteria provided. Collection method: not provided. Allele origin: unknown.
ClinVar note: Converted during submission from cancer to other.

NM_000038.6(APC):c.221-344A>G

Gene: APC (APC regulator of WNT signaling pathway; plus strand). Cytogenetic location: 5q22.2.
Variant type: single nucleotide variant.
Coding change: c.221-344A>G on transcript NM_000038.6 (MANE Select); 344 bases into the intron before coding-DNA position 221, A replaced by G.
Molecular consequence: intron variant.
Genome position (GRCh38, 1-based): chr5:112,766,845, A>G. VCF-style: chr5-112766845-A-G. GRCh37 (hg19) VCF-style: chr5-112102542-A-G.
Other names: c.221-344A>G (NM_001354895.2, NM_001127510.3, NM_001354896.2 and 2 more transcripts); c.251-344A>G (NM_001354897.2, NM_001354902.2, NM_001127511.3); c.146-344A>G (NM_001354898.2, NM_001354904.2); c.-815-344A>G (NM_001354906.2); c.44-344A>G (NM_001354900.2, NM_001354901.2, NM_001354905.2).
Identifiers: ClinVar variation 82401 (VCV000082401.2), dbSNP rs80142737, ClinGen allele CA007285.